The following is an entry in ClinVar:

NM_018979.4(WNK1):c.6245A>G (p.Lys2082Arg)

Gene: WNK1 (WNK lysine deficient protein kinase 1; plus strand). Cytogenetic location: 12p13.33.
Variant type: single nucleotide variant.
Coding change: c.6245A>G on transcript NM_018979.4 (MANE Select); coding-DNA position 6245, A replaced by G.
Protein change: p.Lys2082Arg; replaces lysine 2082 with arginine.
Molecular consequence: missense variant.
Genome position (GRCh38, 1-based): chr12:896,732, A>G. VCF-style: chr12-896732-A-G. GRCh37 (hg19) VCF-style: chr12-1005898-A-G.
Other names: c.7025A>G, p.Lys2342Arg (NM_001184985.2); c.5501A>G, p.Lys1834Arg (NM_014823.3); c.7001A>G, p.Lys2334Arg (NM_213655.5); short protein forms K1834R, K2334R, K2342R, K2082R.
Identifiers: ClinVar variation 2927596 (VCV002927596.3), dbSNP rs1954759913, ClinGen allele CA383336994.

ClinVar aggregate classification (germline): Uncertain significance (1 of 4 stars; one submission).

Conditions:
Neuropathy, hereditary sensory and autonomic, type 2A (HSAN2A). Also called: HSAN IIA; WNK1-Related HSAN2 (HSAN2A); ACROOSTEOLYSIS, GIACCAI TYPE; ACROOSTEOLYSIS, NEUROGENIC; MORVAN DISEASE; NEUROPATHY, CONGENITAL SENSORY. Identifiers: Orphanet 970, MedGen C2752089, MONDO:0024309, OMIM 201300.
Pseudohypoaldosteronism type 2C (PHA2C). Also called: Pseudohypoaldosteronism Type IIC. Identifiers: Orphanet 757, Orphanet 88940, MedGen C1840391, MONDO:0013778, OMIM 614492.

Allele frequency attached by ClinVar (database versions not stated): gnomAD exomes below 0.00001.

Submission:

Labcorp Genetics (formerly Invitae), Labcorp
Classification: Uncertain significance for Neuropathy, hereditary sensory and autonomic, type 2A; Pseudohypoaldosteronism type 2C. Last evaluated: 2023-12-28. Review status: criteria provided, single submitter. Criteria: Invitae Variant Classification Sherloc (09022015). Collection method: clinical testing. Allele origin: germline.
Comment: This sequence change replaces lysine, which is basic and polar, with arginine, which is basic and polar, at codon 2334 of the WNK1 protein (p.Lys2334Arg). This variant is not present in population databases (gnomAD no frequency). This variant has not been reported in the literature in individuals affected with WNK1-related conditions. Experimental studies and prediction algorithms are not available or were not evaluated, and the functional significance of this variant is currently unknown. In summary, the available evidence is currently insufficient to determine the role of this variant in disease. Therefore, it has been classified as a Variant of Uncertain Significance.